The following is an entry in ClinVar:

ClinVar aggregate classification (germline): Pathogenic (1 of 4 stars; one submission).

Conditions:
Hypohidrotic X-linked ectodermal dysplasia (XHED). Also called: ECTODERMAL DYSPLASIA, HYPOHIDROTIC, 1; CST SYNDROME; Ectodermal Dysplasia 1, Anhidrotic; ECTODERMAL DYSPLASIA 1; ECTODERMAL DYSPLASIA 1, HYPOHIDROTIC/HAIR/TOOTH TYPE, X-LINKED; Anhidrotic ectodermal dysplasia X-linked. Identifiers: Orphanet 181, Orphanet 238468, MedGen C0162359, MONDO:0010585, OMIM 305100.

Submission:

Labcorp Genetics (formerly Invitae), Labcorp
Classification: Pathogenic for Hypohidrotic X-linked ectodermal dysplasia. Last evaluated: 2025-06-12. Review status: criteria provided, single submitter. Criteria: Invitae Variant Classification Sherloc (09022015). Collection method: clinical testing. Allele origin: germline.
Comment: This sequence change creates a premature translational stop signal (p.Gln358*) in the EDA gene. While this is not anticipated to result in nonsense mediated decay, it is expected to disrupt the last 34 amino acid(s) of the EDA protein. This variant is not present in population databases (gnomAD no frequency). This premature translational stop signal has been observed in individuals with ectodermal dysplasia (PMID: 21457804, 31924237). This variant disrupts a region of the EDA protein in which other variant(s) (p.Arg384Ser) have been determined to be pathogenic (PMID: 25333067; internal data). This suggests that this is a clinically significant region of the protein, and that variants that disrupt it are likely to be disease-causing. For these reasons, this variant has been classified as Pathogenic.

Literature cited by the submitters: PubMed 21457804; PubMed 31924237; PubMed 25333067.

NM_001399.5(EDA):c.1072C>T (p.Gln358Ter)

Gene: EDA (ectodysplasin A; plus strand). Cytogenetic location: Xq13.1.
Variant type: single nucleotide variant.
Coding change: c.1072C>T on transcript NM_001399.5 (MANE Select); coding-DNA position 1072, C replaced by T.
Protein change: p.Gln358Ter; replaces glutamine 358 with a stop codon.
Molecular consequence: nonsense.
Genome position (GRCh38, 1-based): chrX:70,035,505, C>T. VCF-style: chrX-70035505-C-T. GRCh37 (hg19) VCF-style: chrX-69255355-C-T.
Other names: c.1066C>T, p.Gln356Ter (NM_001005609.2); c.1057C>T, p.Gln353Ter (NM_001005612.3); c.1063C>T, p.Gln355Ter (NM_001440761.1); c.1030C>T, p.Gln344Ter (NM_001440762.1); short protein forms Q344*, Q353*, Q356*, Q355*, Q358*.
Identifiers: ClinVar variation 4710792 (VCV004710792.1).